The following is an entry in ClinVar:

NM_000179.3(MSH6):c.1516G>A (p.Asp506Asn)

Gene: MSH6 (mutS homolog 6; plus strand). Cytogenetic location: 2p16.3.
Variant type: single nucleotide variant.
Coding change: c.1516G>A on transcript NM_000179.3 (MANE Select); coding-DNA position 1516, G replaced by A.
Protein change: p.Asp506Asn; replaces aspartic acid 506 with asparagine.
Molecular consequence: missense variant.
Genome position (GRCh38, 1-based): chr2:47,799,499, G>A. VCF-style: chr2-47799499-G-A. GRCh37 (hg19) VCF-style: chr2-48026638-G-A.
Other names: c.1126G>A, p.Asp376Asn (NM_001281492.2); c.610G>A, p.Asp204Asn (NM_001281493.2, NM_001281494.2, NM_001406811.1 and 6 more transcripts); c.1612G>A, p.Asp538Asn (NM_001406795.1, NM_001406802.1); c.1516G>A, p.Asp506Asn (NM_001406796.1, NM_001406798.1, NM_001406800.1 and 4 more transcripts); c.1219G>A, p.Asp407Asn (NM_001406797.1, NM_001406801.1, NM_001406805.1 and 10 more transcripts); c.991G>A, p.Asp331Asn (NM_001406799.1, NM_001406806.1, NM_001406807.1); c.1438G>A, p.Asp480Asn (NM_001406804.1); c.1522G>A, p.Asp508Asn (NM_001406813.1); and 1 more; short protein forms D376N, D450N, D508N, D538N, D331N, D480N, D204N, D407N.
Identifiers: ClinVar variation 1774324 (VCV001774324.3), dbSNP rs2104349011, ClinGen allele CA346746337.

ClinVar aggregate classification (germline): Uncertain significance. Review status: criteria provided, multiple submitters, no conflicts (2 of 4 stars). 2 submissions from 2 submitters: Uncertain significance (2). Last evaluated 2023-11-03.

Conditions:
Hereditary cancer-predisposing syndrome. Also called: Hereditary Cancer Syndrome; Hereditary neoplastic syndrome; Neoplastic Syndromes, Hereditary; Tumor predisposition. Identifiers: Orphanet 140162, MedGen C0027672, MeSH D009386, MONDO:0015356.
Endometrial carcinoma. Also called: Endometrial carcinoma, somatic. Identifiers: MedGen C0476089, MONDO:0002447, OMIM 608089, HP:0012114.

Submissions (2):

Baylor Genetics
Classification: Uncertain significance for Endometrial carcinoma. Last evaluated: 2023-11-03. Review status: criteria provided, single submitter. Criteria: ACMG Guidelines, 2015. Collection method: clinical testing. Allele origin: unknown.

Ambry Genetics
Classification: Uncertain significance for Hereditary cancer-predisposing syndrome. Last evaluated: 2022-01-26. Review status: criteria provided, single submitter. Criteria: Ambry Variant Classification Scheme 2023. Collection method: clinical testing. Allele origin: germline.
Comment: The p.D506N variant (also known as c.1516G>A), located in coding exon 4 of the MSH6 gene, results from a G to A substitution at nucleotide position 1516. The aspartic acid at codon 506 is replaced by asparagine, an amino acid with highly similar properties. This amino acid position is highly conserved in available vertebrate species. In addition, the in silico prediction for this alteration is inconclusive. Since supporting evidence is limited at this time, the clinical significance of this alteration remains unclear.